The following is an entry in ClinVar:

NM_001127222.2(CACNA1A):c.2809G>T (p.Gly937Trp)

Gene: CACNA1A (calcium voltage-gated channel subunit alpha1 A; minus strand). Cytogenetic location: 19p13.13.
Variant type: single nucleotide variant.
Coding change: c.2809G>T on transcript NM_001127222.2 (MANE Select); coding-DNA position 2809, G replaced by T.
Protein change: p.Gly937Trp; replaces glycine 937 with tryptophan.
Molecular consequence: missense variant.
Genome position (GRCh38, 1-based): chr19:13,298,824, C>A on the plus strand (G>T on the coding strand, the complement: CACNA1A is on the minus strand). VCF-style: chr19-13298824-C-A. GRCh37 (hg19) VCF-style: chr19-13409638-C-A.
Other names: c.2821G>T, p.Gly941Trp (NM_000068.4, NM_023035.3); c.2812G>T, p.Gly938Trp (NM_001127221.2, NM_001174080.2); short protein forms G941W, G937W, G938W.
Identifiers: ClinVar variation 3360283 (VCV003360283.2).

ClinVar aggregate classification (germline): Uncertain significance. Review status: criteria provided, multiple submitters, no conflicts (2 of 4 stars). 2 submissions from 2 submitters: Uncertain significance (2). Last evaluated 2025-04-17.

Conditions:
Developmental and epileptic encephalopathy, 42 (DEE42A). Also called: DEVELOPMENTAL AND EPILEPTIC ENCEPHALOPATHY 42A; EPILEPTIC ENCEPHALOPATHY, EARLY INFANTILE, 42A; Epileptic encephalopathy, early infantile, 42. Identifiers: MedGen C4310716, MONDO:0014917, OMIM 617106.
Episodic ataxia type 2 (EA2). Also called: ATAXIA, EPISODIC, WITH NYSTAGMUS; ATAXIA, FAMILIAL PAROXYSMAL; CEREBELLAR ATAXIA, PAROXYSMAL, ACETAZOLAMIDE-RESPONSIVE; CEREBELLOPATHY, HEREDITARY PAROXYSMAL; EPISODIC ATAXIA, NYSTAGMUS-ASSOCIATED; ACETAZOLAMIDE-RESPONSIVE HEREDITARY PAROXYSMAL CEREBELLAR ATAXIA. Identifiers: Orphanet 97, MedGen C1720416, MONDO:0007163, OMIM 108500.

gnomAD v4.1: 2 of 1,574,494 alleles (0.00013%); highest among the groups gnomAD compares: Admixed American, 0.0017%; no homozygotes.

Submissions (2):

Labcorp Genetics (formerly Invitae), Labcorp
Classification: Uncertain significance for Developmental and epileptic encephalopathy, 42; Episodic ataxia type 2. Last evaluated: 2025-04-17. Review status: criteria provided, single submitter. Criteria: Invitae Variant Classification Sherloc (09022015). Collection method: clinical testing. Allele origin: germline.
Comment: This sequence change replaces glycine, which is neutral and non-polar, with tryptophan, which is neutral and slightly polar, at codon 938 of the CACNA1A protein (p.Gly938Trp). This variant is not present in population databases (gnomAD no frequency). This variant has not been reported in the literature in individuals affected with CACNA1A-related conditions. ClinVar contains an entry for this variant (Variation ID: 3360283). Invitae Evidence Modeling of protein sequence and biophysical properties (such as structural, functional, and spatial information, amino acid conservation, physicochemical variation, residue mobility, and thermodynamic stability) indicates that this missense variant is not expected to disrupt CACNA1A protein function with a negative predictive value of 95%. In summary, the available evidence is currently insufficient to determine the role of this variant in disease. Therefore, it has been classified as a Variant of Uncertain Significance.

GeneDx
Classification: Uncertain significance. Last evaluated: 2023-06-23. Review status: criteria provided, single submitter. Criteria: GeneDx Variant Classification Process June 2021. Collection method: clinical testing. Allele origin: germline. Affected: yes.
Comment: Not observed at significant frequency in large population cohorts (gnomAD); In silico analysis supports that this missense variant does not alter protein structure/function; Has not been previously published as pathogenic or benign to our knowledge